The following is an entry in ClinVar:

NM_000083.3(CLCN1):c.852A>G (p.Gly284=)

Gene: CLCN1 (chloride voltage-gated channel 1; plus strand). Cytogenetic location: 7q34.
Variant type: single nucleotide variant.
Coding change: c.852A>G on transcript NM_000083.3 (MANE Select); coding-DNA position 852, A replaced by G.
Protein change: p.Gly284=; no amino-acid change (glycine 284 retained).
Molecular consequence: synonymous variant. On other transcripts: non-coding transcript variant (1).
Genome position (GRCh38, 1-based): chr7:143,324,491, A>G. VCF-style: chr7-143324491-A-G. GRCh37 (hg19) VCF-style: chr7-143021584-A-G.
Identifiers: ClinVar variation 624304 (VCV000624304.47), dbSNP rs1417532624, ClinGen allele CA458296343.

ClinVar aggregate classification (germline): Uncertain significance. Review status: criteria provided, multiple submitters, no conflicts (2 of 4 stars). 2 submissions from 2 submitters: Uncertain significance (2). Last evaluated 2025-07-18.

Conditions:
Congenital myotonia, autosomal recessive form. Also called: myotonia congenita, autosomal recessive; BECKER DISEASE; Becker Generalized Myotonia. Identifiers: Orphanet 614, MedGen C0751360, MONDO:0009715, OMIM 255700.
Congenital myotonia, autosomal dominant form (THD). Also called: THOMSEN DISEASE; Myotonia congenita autosomal dominant. Identifiers: Orphanet 614, MedGen C2936781, MONDO:0008055, OMIM 160800.

Submissions (2):

Labcorp Genetics (formerly Invitae), Labcorp
Classification: Uncertain significance for Congenital myotonia, autosomal recessive form; Congenital myotonia, autosomal dominant form. Last evaluated: 2025-07-18. Review status: criteria provided, single submitter. Criteria: Invitae Variant Classification Sherloc (09022015). Collection method: clinical testing. Allele origin: germline.
Comment: This sequence change affects codon 284 of the CLCN1 mRNA. It is a 'silent' change, meaning that it does not change the encoded amino acid sequence of the CLCN1 protein. It affects a nucleotide within the consensus splice site. This variant is not present in population databases (gnomAD no frequency). This variant has been observed in individual(s) with myotonia congenita (internal data). ClinVar contains an entry for this variant (Variation ID: 624304). Algorithms developed to predict the effect of sequence changes on RNA splicing suggest that this variant may disrupt the consensus splice site. In summary, the available evidence is currently insufficient to determine the role of this variant in disease. Therefore, it has been classified as a Variant of Uncertain Significance.

CeGaT Center for Human Genetics Tuebingen
Classification: Uncertain significance. Last evaluated: 2018-07-01. Review status: criteria provided, single submitter. Criteria: CeGaT Center For Human Genetics Tuebingen Variant Classification Criteria Version 2. Collection method: clinical testing. Allele origin: germline. Affected: yes. Observed: 2 variant alleles.